The following is an entry in ClinVar:

NM_006885.4(ZFHX3):c.2085G>A (p.Pro695=)

Gene: ZFHX3 (zinc finger homeobox 3; minus strand). Cytogenetic location: 16q22.3.
Variant type: single nucleotide variant.
Coding change: c.2085G>A on transcript NM_006885.4 (MANE Select); coding-DNA position 2085, G replaced by A.
Protein change: p.Pro695=; no amino-acid change (proline 695 retained).
Molecular consequence: synonymous variant. On other transcripts: intron variant (1).
Genome position (GRCh38, 1-based): chr16:72,958,061, C>T on the plus strand (G>A on the coding strand, the complement: ZFHX3 is on the minus strand). VCF-style: chr16-72958061-C-T. GRCh37 (hg19) VCF-style: chr16-72991960-C-T.
Other names: c.2085G>A, p.Pro695= (NM_001386735.1); c.-23-7096G>A (NM_001164766.2).
Identifiers: ClinVar variation 3042261 (VCV003042261.2), dbSNP rs573445135, ClinGen allele CA8164549.
Genomic context (GRCh38, chr16:72,958,061, plus strand): 5'-TCGTGCCAGCCGGGGGTGGGGCTGCCCGCTTTTGCAGTAGACACAGGAGCCCCCCGGCTC[C>T]GGGTGCTTCTCCTTCATGTGTGCCTCCAGGGTCTGCTGGTACTTATAGTGCCAGTTGCAC-3'
Protein context (NP_008816.3, residues 685-705): TLEAHMKEKH[Pro695=]EPGGSCVYCK

ClinVar aggregate classification (germline): Likely benign (0 of 4 stars; one submission).

Conditions:
ZFHX3-related disorder. Also called: ZFHX3-related condition.

Allele frequency attached by ClinVar (database versions not stated): TOPMed 0.00006; gnomAD 0.00018; gnomAD exomes 0.00036; 1000 Genomes Project 0.00060; 1000 Genomes Project 30x 0.00078; ExAC 0.00078.
gnomAD v4.1: 564 of 1,613,820 alleles (0.035%); highest among the groups gnomAD compares: South Asian, 0.55%; 4 homozygotes.

Submission:

PreventionGenetics, part of Exact Sciences
Classification: Likely benign for ZFHX3-related condition. Last evaluated: 2019-12-23. Review status: no assertion criteria provided. Collection method: clinical testing. Allele origin: germline.
Comment: This variant is classified as likely benign based on ACMG/AMP sequence variant interpretation guidelines (Richards et al. 2015 PMID: 25741868, with internal and published modifications).